The following is an entry in ClinVar:

ClinVar aggregate classification (germline): Uncertain significance (1 of 4 stars; one submission).

Submission:

Labcorp Genetics (formerly Invitae), Labcorp
Classification: Uncertain significance. Last evaluated: 2022-05-08. Review status: criteria provided, single submitter. Criteria: Invitae Variant Classification Sherloc (09022015). Collection method: clinical testing. Allele origin: germline.
Comment: In summary, the available evidence is currently insufficient to determine the role of this variant in disease. Therefore, it has been classified as a Variant of Uncertain Significance. This variant disrupts the triple helix domain of COL7A1. Glycine residues within the Gly-Xaa-Yaa repeats of the triple helix domain are required for the structure and stability of fibrillar collagens (PMID: 7695699, 8218237, 19344236), and variants at these glycine residues in COL7A1 are more frequently observed in individuals with disease than in the general population (PMID: 22058051). However, the clinical significance of this observation remains uncertain since only a limited number of affected individuals have been described to date. Algorithms developed to predict the effect of sequence changes on RNA splicing suggest that this variant may disrupt the consensus splice site. Algorithms developed to predict the effect of missense changes on protein structure and function (SIFT, PolyPhen-2, Align-GVGD) all suggest that this variant is likely to be disruptive. This variant has not been reported in the literature in individuals affected with COL7A1-related conditions. This variant is not present in population databases (gnomAD no frequency). This sequence change replaces glycine, which is neutral and non-polar, with glutamic acid, which is acidic and polar, at codon 2278 of the COL7A1 protein (p.Gly2278Glu).

Literature cited by the submitters: PubMed 7695699; PubMed 8218237; PubMed 19344236; PubMed 22058051.

NM_000094.4(COL7A1):c.6833G>A (p.Gly2278Glu)

Gene: COL7A1 (collagen type VII alpha 1 chain; minus strand). Cytogenetic location: 3p21.31.
Variant type: single nucleotide variant.
Coding change: c.6833G>A on transcript NM_000094.4 (MANE Select); coding-DNA position 6833, G replaced by A.
Protein change: p.Gly2278Glu; replaces glycine 2278 with glutamic acid.
Molecular consequence: missense variant.
Genome position (GRCh38, 1-based): chr3:48,572,738, C>T on the plus strand (G>A on the coding strand, the complement: COL7A1 is on the minus strand). VCF-style: chr3-48572738-C-T. GRCh37 (hg19) VCF-style: chr3-48610171-C-T.
Other names: short protein forms G2278E.
Identifiers: ClinVar variation 2098151 (VCV002098151.4), dbSNP rs1438193553, ClinGen allele CA352653285.
Genomic context (GRCh38, chr3:48,572,738, plus strand): 5'-GGGGCCCCCGTGGGGCCAGGTTCTCCTTTAGGTCCGACAGGGCCAGGCAGACCTGGTGAC[C>T]CCTATGGCAGAGCAGCGTGAGGAACTCAGTGCCTCTCCACCACCACCCCTGCTGCCCCAC-3'
Protein context (NP_000085.1, residues 2268-2288): DGDRGSPGVP[Gly2278Glu]SPGLPGPVGP